The following is an entry in ClinVar:

NM_001330078.2(NRXN1):c.1351G>C (p.Glu451Gln)

Gene: NRXN1 (neurexin 1; minus strand). Cytogenetic location: 2p16.3.
Variant type: single nucleotide variant.
Coding change: c.1351G>C on transcript NM_001330078.2 (MANE Select); coding-DNA position 1351, G replaced by C.
Protein change: p.Glu451Gln; replaces glutamic acid 451 with glutamine.
Molecular consequence: missense variant.
Genome position (GRCh38, 1-based): chr2:50,552,995, C>G on the plus strand (G>C on the coding strand, the complement: NRXN1 is on the minus strand). VCF-style: chr2-50552995-C-G. GRCh37 (hg19) VCF-style: chr2-50780133-C-G.
Other names: c.1471G>C, p.Glu491Gln (NM_001135659.3); c.1327G>C, p.Glu443Gln (NM_001330077.2, NM_001330082.2, NM_001330095.2); c.1312G>C, p.Glu438Gln (NM_001330083.2, NM_001330084.2); c.1351G>C, p.Glu451Gln (NM_001330085.2, NM_001330086.2, NM_004801.6); c.1267G>C, p.Glu423Gln (NM_001330087.2, NM_001330096.2); c.1297G>C, p.Glu433Gln (NM_001330088.2); c.1348G>C, p.Glu450Gln (NM_001330093.2); c.1339G>C, p.Glu447Gln (NM_001330094.2); short protein forms E438Q, E451Q, E491Q, E447Q, E423Q, E433Q, E443Q, E450Q.
Identifiers: ClinVar variation 964104 (VCV000964104.9), dbSNP rs74330234, ClinGen allele CA47333038.

ClinVar aggregate classification (germline): Uncertain significance (1 of 4 stars; one submission).

Conditions:
Pitt-Hopkins-like syndrome 2 (PTHSL2). Identifiers: Orphanet 221150, Orphanet 600663, MedGen C3280479, MONDO:0013690, OMIM 614325.

Allele frequency attached by ClinVar (database versions not stated): gnomAD exomes 0.00001.
gnomAD v4.1: 7 of 1,611,812 alleles (0.00043%); highest among the groups gnomAD compares: Non-Finnish European, 0.00059%; no homozygotes.

Submission:

Labcorp Genetics (formerly Invitae), Labcorp
Classification: Uncertain significance for Pitt-Hopkins-like syndrome 2. Last evaluated: 2023-02-23. Review status: criteria provided, single submitter. Criteria: Invitae Variant Classification Sherloc (09022015). Collection method: clinical testing. Allele origin: germline.
Comment: This sequence change replaces glutamic acid, which is acidic and polar, with glutamine, which is neutral and polar, at codon 491 of the NRXN1 protein (p.Glu491Gln). This variant is not present in population databases (gnomAD no frequency). This variant has not been reported in the literature in individuals affected with NRXN1-related conditions. ClinVar contains an entry for this variant (Variation ID: 964104). An algorithm developed to predict the effect of missense changes on protein structure and function (PolyPhen-2) suggests that this variant is likely to be disruptive. In summary, the available evidence is currently insufficient to determine the role of this variant in disease. Therefore, it has been classified as a Variant of Uncertain Significance.